The following is an entry in ClinVar:

NM_000153.4(GALC):c.1174del (p.Ser392fs)

Gene: GALC (galactosylceramidase; minus strand). Cytogenetic location: 14q31.3.
Variant type: Deletion.
Coding change: c.1174del on transcript NM_000153.4 (MANE Select); coding-DNA position 1174, one base deleted (T; older notation c.1174delT).
Protein change: p.Ser392fs; shifts the reading frame from serine 392.
Molecular consequence: frameshift variant.
Genome position (GRCh38, 1-based): chr14:87,950,736, A deleted on the plus strand (T on the coding strand, the reverse complement: GALC is on the minus strand); the first of 2 consecutive A bases (chr14:87,950,736-87,950,737); deleting either gives the same sequence. VCF-style (leftmost placement, unchanged base first): chr14-87950735-GA-G. GRCh37 (hg19) VCF-style: chr14-88417079-GA-G.
Other names: c.1105del, p.Ser369fs (NM_001201401.2); c.1096del, p.Ser366fs (NM_001201402.2); short protein forms S366fs, S369fs, S392fs.
Identifiers: ClinVar variation 2032662 (VCV002032662.4), dbSNP rs2503376435, ClinGen allele CA2580088888.

ClinVar aggregate classification (germline): Pathogenic (1 of 4 stars; one submission).

Conditions:
Galactosylceramide beta-galactosidase deficiency. Also called: Krabbe Disease; Leukodystrophy, Globoid Cell; GALACTOCEREBROSIDASE DEFICIENCY; GALC DEFICIENCY; GLOBOID CELL LEUKOENCEPHALOPATHY. Identifiers: Orphanet 487, MedGen C0023521, MONDO:0009499, OMIM 245200.

Submission:

Labcorp Genetics (formerly Invitae), Labcorp
Classification: Pathogenic for Galactosylceramide beta-galactosidase deficiency. Last evaluated: 2022-09-26. Review status: criteria provided, single submitter. Criteria: Invitae Variant Classification Sherloc (09022015). Collection method: clinical testing. Allele origin: germline.
Comment: This variant has not been reported in the literature in individuals affected with GALC-related conditions. For these reasons, this variant has been classified as Pathogenic. This sequence change creates a premature translational stop signal (p.Ser392Leufs*65) in the GALC gene. It is expected to result in an absent or disrupted protein product. Loss-of-function variants in GALC are known to be pathogenic (PMID: 7437911, 9272171, 16607461). This variant is not present in population databases (gnomAD no frequency).

Literature cited by the submitters: PubMed 7437911; PubMed 9272171; PubMed 16607461.